The following is an entry in ClinVar:

NM_138554.5(TLR4):c.435C>A (p.Pro145=)

Gene: TLR4 (toll like receptor 4; plus strand). Cytogenetic location: 9q33.1.
Variant type: single nucleotide variant.
Coding change: c.435C>A on transcript NM_138554.5 (MANE Select); coding-DNA position 435, C replaced by A.
Protein change: p.Pro145=; no amino-acid change (proline 145 retained).
Molecular consequence: synonymous variant. On other transcripts: 5 prime UTR variant (1).
Genome position (GRCh38, 1-based): chr9:117,712,563, C>A. VCF-style: chr9-117712563-C-A. GRCh37 (hg19) VCF-style: chr9-120474841-C-A.
Other names: c.315C>A, p.Pro105= (NM_003266.4); c.-166C>A (NM_138557.3).
Identifiers: ClinVar variation 787708 (VCV000787708.39), dbSNP rs5030711, ClinGen allele CA5212216.

ClinVar aggregate classification (germline): Benign/Likely benign. Review status: criteria provided, multiple submitters, no conflicts (2 of 4 stars). 4 submissions from 4 submitters: Benign (1); Likely benign (2). 1 of the submissions does not count toward it. Last evaluated 2026-03-01.

Conditions:
TLR4-related disorder. Also called: TLR4-related condition.

Allele frequency attached by ClinVar (database versions not stated): 1000 Genomes Project 0.00359; 1000 Genomes Project 30x 0.00406; gnomAD 0.00493 and 0.00502; TOPMed 0.00555; ESP Exome Variant Server 0.00569.
gnomAD v4.1: 11,890 of 1,614,004 alleles (0.74%); highest among the groups gnomAD compares: Non-Finnish European, 0.89%; 57 homozygotes.

Submissions (4):

CeGaT Center for Human Genetics Tuebingen
Classification: Likely benign. Last evaluated: 2026-03-01. Review status: criteria provided, single submitter. Criteria: CeGaT Center For Human Genetics Tuebingen Variant Classification Criteria Version 2. Collection method: clinical testing. Allele origin: germline. Affected: yes. Observed: 3 variant alleles.
Comment: TLR4: BP4, BP7, BS2

Labcorp Genetics (formerly Invitae), Labcorp
Classification: Benign. Last evaluated: 2018-07-31. Review status: criteria provided, single submitter. Criteria: Invitae Variant Classification Sherloc (09022015). Collection method: clinical testing. Allele origin: germline.

Breakthrough Genomics
Classification: Likely benign. Review status: criteria provided, single submitter. Criteria: ACMG Guidelines, 2015. Collection method: not provided. Allele origin: germline. Inheritance: Unknown mechanism. Affected: yes.

PreventionGenetics, part of Exact Sciences
Classification: Benign for TLR4-related condition. Last evaluated: 2019-07-03. Review status: no assertion criteria provided. Collection method: clinical testing. Allele origin: germline. Not counted in ClinVar's aggregate classification.
Comment: This variant is classified as benign based on ACMG/AMP sequence variant interpretation guidelines (Richards et al. 2015 PMID: 25741868, with internal and published modifications).